The following is an entry in ClinVar:

ClinVar aggregate classification (germline): Benign/Likely benign. Review status: criteria provided, multiple submitters, no conflicts (2 of 4 stars). 3 submissions from 3 submitters: Benign (1); Likely benign (2). Last evaluated 2026-07-09.

Conditions:
Rhabdoid tumor predisposition syndrome 2 (RTPS2). Identifiers: Orphanet 231108, Orphanet 69077, MedGen C2750074, MONDO:0013224, OMIM 613325.
Hereditary cancer-predisposing syndrome. Also called: Tumor predisposition; Neoplastic Syndromes, Hereditary; Hereditary Cancer Syndrome; Hereditary neoplastic syndrome. Identifiers: Orphanet 140162, MedGen C0027672, MeSH D009386, MONDO:0015356.

Allele frequency attached by ClinVar (database versions not stated): TOPMed 0.00001; gnomAD exomes below 0.00001.
gnomAD v4.1: 5 of 1,614,034 alleles (0.00031%); highest among the groups gnomAD compares: Non-Finnish European, 0.00042%; no homozygotes.

Submissions (3):

Myriad Genetics, Inc.
Classification: Benign for Rhabdoid tumor predisposition syndrome 2. Last evaluated: 2026-07-09. Review status: criteria provided, single submitter. Criteria: Myriad Autosomal Dominant, Autosomal Recessive and X-Linked Classification Criteria (2023). Collection method: clinical testing. Allele origin: unknown.
Comment: This variant is considered benign. This variant is a silent/synonymous amino acid change and it is not expected to impact splicing.

Labcorp Genetics (formerly Invitae), Labcorp
Classification: Likely benign for Rhabdoid tumor predisposition syndrome 2. Last evaluated: 2024-04-15. Review status: criteria provided, single submitter. Criteria: Invitae Variant Classification Sherloc (09022015). Collection method: clinical testing. Allele origin: germline.

Ambry Genetics
Classification: Likely benign for Hereditary cancer-predisposing syndrome. Last evaluated: 2016-09-12. Review status: criteria provided, single submitter. Criteria: Ambry Variant Classification Scheme 2023. Collection method: clinical testing. Allele origin: germline.

NM_003072.5(SMARCA4):c.1242G>A (p.Arg414=)

Gene: SMARCA4 (SWI/SNF related BAF chromatin remodeling complex subunit ATPase 4; plus strand). Cytogenetic location: 19p13.2.
Variant type: single nucleotide variant.
Coding change: c.1242G>A on transcript NM_003072.5 (MANE Select); coding-DNA position 1242, G replaced by A.
Protein change: p.Arg414=; no amino-acid change (arginine 414 retained).
Molecular consequence: synonymous variant. On other transcripts: non-coding transcript variant (1).
Genome position (GRCh38, 1-based): chr19:10,989,440, G>A. VCF-style: chr19-10989440-G-A. GRCh37 (hg19) VCF-style: chr19-11100116-G-A.
Other names: c.1242G>A, p.Arg414= (NM_001128844.3, NM_001128845.2, NM_001128846.2 and 5 more transcripts).
Identifiers: ClinVar variation 484919 (VCV000484919.15), dbSNP rs1391636290, ClinGen allele CA505489941.